The following is an entry in ClinVar:

ClinVar aggregate classification (germline): Pathogenic (1 of 4 stars; one submission).

Conditions:
Familial adenomatous polyposis 1 (FAP1). Also called: POLYPOSIS, ADENOMATOUS INTESTINAL; FAMILIAL ADENOMATOUS POLYPOSIS 1, ATTENUATED. Identifiers: MedGen C2713442, MONDO:0021056, OMIM 175100. Disease mechanism: loss of function.

Submission:

Labcorp Genetics (formerly Invitae), Labcorp
Classification: Pathogenic for Familial adenomatous polyposis 1. Last evaluated: 2023-07-17. Review status: criteria provided, single submitter. Criteria: Invitae Variant Classification Sherloc (09022015). Collection method: clinical testing. Allele origin: germline.
Comment: For these reasons, this variant has been classified as Pathogenic. RNA analysis performed to evaluate the impact of this premature translational stop signal on mRNA splicing indicates it does not significantly alter splicing (Invitae). ClinVar contains an entry for this variant (Variation ID: 2076032). This variant has not been reported in the literature in individuals affected with APC-related conditions. This variant is not present in population databases (gnomAD no frequency). This sequence change creates a premature translational stop signal (p.Ile55Phefs*10) in the APC gene. It is expected to result in an absent or disrupted protein product. Loss-of-function variants in APC are known to be pathogenic (PMID: 17963004, 20685668).

Literature cited by the submitters: PubMed 17963004; PubMed 20685668.

NC_000005.10:g.112766352_112766353insTTTGTGTTCTTTTTAACAGGAAGTACTTAAACAACTACAAGGAAGT

Gene: APC (APC regulator of Wnt signaling pathway; plus strand). Cytogenetic location: 5q22.2.
Variant type: Insertion.
Genome position: GRCh38: chr5:112,766,352-112,766,353. GRCh37 (hg19): chr5:112,102,049-112,102,050.
Identifiers: ClinVar variation 2076032 (VCV002076032.5), ClinGen allele CA2580072232.